The following is an entry in ClinVar:

ClinVar aggregate classification (germline): Uncertain significance (1 of 4 stars; one submission).

Conditions:
Atrioventricular septal defect 5 (AVSD5). Identifiers: MedGen C3280939, MONDO:0013769, OMIM 614474.

Submission:

Labcorp Genetics (formerly Invitae), Labcorp
Classification: Uncertain significance for Atrioventricular septal defect 5. Last evaluated: 2025-12-14. Review status: criteria provided, single submitter. Criteria: Invitae Variant Classification Sherloc (09022015). Collection method: clinical testing. Allele origin: germline.
Comment: This sequence change replaces alanine, which is neutral and non-polar, with valine, which is neutral and non-polar, at codon 241 of the GATA6 protein (p.Ala241Val). This variant is not present in population databases (gnomAD no frequency). This variant has not been reported in the literature in individuals affected with GATA6-related conditions. Invitae Evidence Modeling of protein sequence and biophysical properties (such as structural, functional, and spatial information, amino acid conservation, physicochemical variation, residue mobility, and thermodynamic stability) indicates that this missense variant is not expected to disrupt GATA6 protein function with a negative predictive value of 80%. In summary, the available evidence is currently insufficient to determine the role of this variant in disease. Therefore, it has been classified as a Variant of Uncertain Significance.

NM_005257.6(GATA6):c.722C>T (p.Ala241Val)

Gene: GATA6 (GATA binding protein 6; plus strand). Cytogenetic location: 18q11.2.
Variant type: single nucleotide variant.
Coding change: c.722C>T on transcript NM_005257.6 (MANE Select); coding-DNA position 722, C replaced by T.
Protein change: p.Ala241Val; replaces alanine 241 with valine.
Molecular consequence: missense variant.
Genome position (GRCh38, 1-based): chr18:22,171,866, C>T. VCF-style: chr18-22171866-C-T. GRCh37 (hg19) VCF-style: chr18-19751827-C-T.
Other names: short protein forms A241V.
Identifiers: ClinVar variation 4703960 (VCV004703960.1).